The following is an entry in ClinVar:

ClinVar aggregate classification (germline): Uncertain significance (1 of 4 stars; one submission).

Submission:

Labcorp Genetics (formerly Invitae), Labcorp
Classification: Uncertain significance. Last evaluated: 2024-08-31. Review status: criteria provided, single submitter. Criteria: Invitae Variant Classification Sherloc (09022015). Collection method: clinical testing. Allele origin: germline.
Comment: This sequence change replaces methionine, which is neutral and non-polar, with leucine, which is neutral and non-polar, at codon 528 of the PCDH12 protein (p.Met528Leu). This variant is not present in population databases (gnomAD no frequency). This variant has not been reported in the literature in individuals affected with PCDH12-related conditions. Invitae Evidence Modeling of protein sequence and biophysical properties (such as structural, functional, and spatial information, amino acid conservation, physicochemical variation, residue mobility, and thermodynamic stability) indicates that this missense variant is not expected to disrupt PCDH12 protein function with a negative predictive value of 95%. In summary, the available evidence is currently insufficient to determine the role of this variant in disease. Therefore, it has been classified as a Variant of Uncertain Significance.

NM_016580.4(PCDH12):c.1582A>C (p.Met528Leu)

Genes: PCDH12 (protocadherin 12; minus strand), RNF14 (ring finger protein 14; plus strand). Cytogenetic location: 5q31.3.
Variant type: single nucleotide variant.
Coding change: c.1582A>C on transcript NM_016580.4 (MANE Select); coding-DNA position 1582, A replaced by C.
Protein change: p.Met528Leu; replaces methionine 528 with leucine.
Molecular consequence: missense variant.
Genome position (GRCh38, 1-based): chr5:141,956,270, T>G on the plus strand (A>C on the coding strand, the complement: PCDH12 is on the minus strand). VCF-style: chr5-141956270-T-G. GRCh37 (hg19) VCF-style: chr5-141335835-T-G.
Other names: short protein forms M528L.
Identifiers: ClinVar variation 3635545 (VCV003635545.2).
Genomic context (GRCh38, chr5:141,956,270, plus strand): 5'-TGGATGCAAGCATGGGTTGCCCGCTGTCCTCTGCGATCACCTGGAACTCAAAGCCGGCCA[T>G]CTCTTCATAGTTCAGTGACCTCTGAGCAGTGACCTCTCCTGTGTTGGAGTCAATAGCTAC-3'
Protein context (NP_057664.1, residues 518-538): TAQRSLNYEE[Met528Leu]AGFEFQVIAE